The following is an entry in ClinVar:

NM_002834.5(PTPN11):c.254dup (p.His85fs)

Gene: PTPN11 (protein tyrosine phosphatase non-receptor type 11; plus strand). Cytogenetic location: 12q24.13.
Variant type: Duplication.
Coding change: c.254dup on transcript NM_002834.5 (MANE Select); coding-DNA position 254, one base duplicated (A; older notation c.254dupA).
Protein change: p.His85fs; shifts the reading frame from histidine 85.
Molecular consequence: frameshift variant.
Genome position (GRCh38, 1-based): chr12:112,450,434, A duplicated. VCF-style (leftmost placement, unchanged base first): chr12-112450433-C-CA. GRCh37 (hg19) VCF-style: chr12-112888237-C-CA.
Other names: c.254dup, p.His85fs (NM_001330437.2, NM_080601.3); c.251dup, p.His84fs (NM_001374625.1); short protein forms H84fs, H85fs.
Identifiers: ClinVar variation 4730403 (VCV004730403.1).
Genomic context (GRCh38, chr12:112,450,433, plus strand): 5'-CTGTATGGAGGGGAGAAATTTGCCACTTTGGCTGAGTTGGTCCAGTATTACATGGAACAT[C>CA]ACGGGCAATTAAAAGAGAAGAATGGAGATGTCATTGAGCTTAAATATCCTCTGAACTGTG-3'

ClinVar aggregate classification (germline): Pathogenic (1 of 4 stars; one submission).

Conditions:
RASopathy. Also called: rasopathies; Noonan spectrum disorder. Identifiers: Orphanet 536391, MedGen C5555857, MONDO:0021060.

Submission:

Labcorp Genetics (formerly Invitae), Labcorp
Classification: Pathogenic for RASopathy. Last evaluated: 2025-11-03. Review status: criteria provided, single submitter. Criteria: Invitae Variant Classification Sherloc (09022015). Collection method: clinical testing. Allele origin: germline.
Comment: This sequence change creates a premature translational stop signal (p.His85Glnfs*13) in the PTPN11 gene. It is expected to result in an absent or disrupted protein product. Loss-of-function variants in PTPN11 are known to be pathogenic (PMID: 20577567, 21533187). This variant is not present in population databases (gnomAD no frequency). This variant has not been reported in the literature in individuals affected with PTPN11-related conditions. For these reasons, this variant has been classified as Pathogenic.

Literature cited by the submitters: PubMed 20577567; PubMed 21533187.